The following is an entry in ClinVar:

ClinVar aggregate classification (germline): Likely benign (1 of 4 stars; one submission).

Conditions:
Hereditary breast ovarian cancer syndrome. Also called: Hereditary breast and ovarian cancer; Hereditary breast and ovarian cancer syndrome (HBOC); Hereditary breast and ovarian cancer syndrome; Breast and ovarian cancer; Hereditary breast and/or ovarian cancer syndrome; BRCA1- and BRCA2-Associated Hereditary Breast and Ovarian Cancer. Identifiers: Orphanet 145, MedGen C0677776, MeSH D061325, MONDO:0003582. Disease mechanism: loss of function.

gnomAD v4.1: 1 of 1,611,038 alleles (0.000062%); highest among the groups gnomAD compares: Non-Finnish European, 0.000085%; no homozygotes.

Submission:

German Consortium for Hereditary Breast and Ovarian Cancer, University Hospital Cologne
Classification: Likely benign for Hereditary breast ovarian cancer syndrome. Last evaluated: 2024-08-13. Review status: criteria provided, single submitter. Criteria: ClinGen PALB2 V1.1.0. Collection method: curation. Allele origin: germline.
Comment: According to the ClinGen ACMG PALB2 v1.1.0 criteria we chose these criteria: PM2 (supporting pathogenic): absent from controls, BP7 (strong benign): Own RNA-Assays shows no impact on Splicing

NM_024675.4(PALB2):c.3126T>A (p.Thr1042=)

Gene: PALB2 (partner and localizer of BRCA2; minus strand). Cytogenetic location: 16p12.2.
Variant type: single nucleotide variant.
Coding change: c.3126T>A on transcript NM_024675.4 (MANE Select); coding-DNA position 3126, T replaced by A.
Protein change: p.Thr1042=; no amino-acid change (threonine 1042 retained).
Molecular consequence: synonymous variant. On other transcripts: intron variant (3).
Genome position (GRCh38, 1-based): chr16:23,614,079, A>T on the plus strand (T>A on the coding strand, the complement: PALB2 is on the minus strand). VCF-style: chr16-23614079-A-T. GRCh37 (hg19) VCF-style: chr16-23625400-A-T.
Other names: c.3066T>A, p.Thr1022= (NM_001407296.1); c.3054T>A, p.Thr1018= (NM_001407297.1); c.2964T>A, p.Thr988= (NM_001407298.1, NM_001407302.1); c.2847T>A, p.Thr949= (NM_001407300.1); c.3126T>A, p.Thr1042= (NM_001407301.1); c.2241T>A, p.Thr747= (NM_001407304.1, NM_001407305.1, NM_001407306.1 and 2 more transcripts); c.2079T>A, p.Thr693= (NM_001407307.1); c.1338T>A, p.Thr446= (NM_001407312.1, NM_001407313.1); and 3 more.
Identifiers: ClinVar variation 3362808 (VCV003362808.1).